The following is an entry in ClinVar:

NM_001395058.1(MYO15B):c.2651+2T>A

Gene: MYO15B (myosin XVB; plus strand). Cytogenetic location: 17q25.1.
Variant type: single nucleotide variant.
Coding change: c.2651+2T>A on transcript NM_001395058.1 (MANE Select); the canonical splice donor site of the intron after coding-DNA position 2651, T replaced by A.
Molecular consequence: splice donor variant.
Genome position (GRCh38, 1-based): chr17:75,592,082, T>A. VCF-style: chr17-75592082-T-A. GRCh37 (hg19) VCF-style: chr17-73588163-T-A.
Other names: NM_001395058.1:c.2651+2T>A; c.2651+2T>A (NM_001309242.2).
Identifiers: ClinVar variation 2674600 (VCV002674600.1), dbSNP rs2056499898, ClinGen allele CA986348834.

ClinVar aggregate classification (germline): Uncertain significance (1 of 4 stars; one submission).

Conditions:
Congenital myopathy. Identifiers: Orphanet 97245, MedGen C0270960, MONDO:0019952.

Allele frequency attached by ClinVar (database versions not stated): gnomAD exomes below 0.00001; gnomAD 0.00001.
gnomAD v4.1: 3 of 702,702 alleles (0.00043%); highest among the groups gnomAD compares: African/African-American, 0.0017%; no homozygotes.

Submission:

Broad Center for Mendelian Genomics, Broad Institute of MIT and Harvard
Classification: Uncertain significance for Congenital myopathy. Last evaluated: 2023-12-20. Review status: criteria provided, single submitter. Criteria: ACMG Guidelines, 2015. Collection method: curation. Allele origin: germline. Study: GREGoR Consortium.
Comment: This variant was detected in cis with another variant of uncertain significance (p.Asp2703Glu) in MYO15B. While this gene is still lacking sufficient evidence to establish a gene-disease relationship, we believe this is a possible novel gene candidate for this phenotype. Given the limited information about this gene-disease relationship, the significance of the c.2651+2T>A variant is uncertain. If you have any additional information about functional evidence or other individuals with this phenotype that also have variants in MYO15B we encourage you to reach out to us.